The following is an entry in ClinVar:

ClinVar aggregate classification (germline): Uncertain significance. Review status: criteria provided, multiple submitters, no conflicts (2 of 4 stars). 2 submissions from 2 submitters: Uncertain significance (2). Last evaluated 2024-04-12.

Allele frequency attached by ClinVar (database versions not stated): gnomAD exomes below 0.00001; gnomAD 0.00001; TOPMed 0.00003.
gnomAD v4.1: 6 of 1,614,022 alleles (0.00037%); highest among the groups gnomAD compares: Admixed American, 0.0033%; no homozygotes.

Submissions (2):

Ambry Genetics
Classification: Uncertain significance. Last evaluated: 2024-04-12. Review status: criteria provided, single submitter. Criteria: Ambry Variant Classification Scheme 2023. Collection method: clinical testing. Allele origin: germline.

Labcorp Genetics (formerly Invitae), Labcorp
Classification: Uncertain significance. Last evaluated: 2022-10-01. Review status: criteria provided, single submitter. Criteria: Invitae Variant Classification Sherloc (09022015). Collection method: clinical testing. Allele origin: germline.
Comment: In summary, the available evidence is currently insufficient to determine the role of this variant in disease. Therefore, it has been classified as a Variant of Uncertain Significance. Advanced modeling of protein sequence and biophysical properties (such as structural, functional, and spatial information, amino acid conservation, physicochemical variation, residue mobility, and thermodynamic stability) has been performed at Invitae for this missense variant, however the output from this modeling did not meet the statistical confidence thresholds required to predict the impact of this variant on ADD3 protein function. This variant has not been reported in the literature in individuals affected with ADD3-related conditions. This variant is present in population databases (no rsID available, gnomAD 0.003%). This sequence change replaces leucine, which is neutral and non-polar, with phenylalanine, which is neutral and non-polar, at codon 136 of the ADD3 protein (p.Leu136Phe).

NM_016824.5(ADD3):c.406C>T (p.Leu136Phe)

Gene: ADD3 (adducin 3; plus strand). Cytogenetic location: 10q25.2.
Variant type: single nucleotide variant.
Coding change: c.406C>T on transcript NM_016824.5 (MANE Select); coding-DNA position 406, C replaced by T.
Protein change: p.Leu136Phe; replaces leucine 136 with phenylalanine.
Molecular consequence: missense variant.
Genome position (GRCh38, 1-based): chr10:110,116,330, C>T. VCF-style: chr10-110116330-C-T. GRCh37 (hg19) VCF-style: chr10-111876088-C-T.
Other names: c.406C>T, p.Leu136Phe (NM_001121.4, NM_001320591.2, NM_001320592.2 and 2 more transcripts); c.172C>T, p.Leu58Phe (NM_001320594.2); c.406C>T (NM_016824.3); short protein forms L58F, L136F.
Identifiers: ClinVar variation 1985322 (VCV001985322.5), dbSNP rs1234250912, ClinGen allele CA378366531.